The following is an entry in ClinVar:

NM_002734.5(PRKAR1A):c.334T>C (p.Ser112Pro)

Gene: PRKAR1A (protein kinase cAMP-dependent type I regulatory subunit alpha; plus strand). Cytogenetic location: 17q24.2.
Variant type: single nucleotide variant.
Coding change: c.334T>C on transcript NM_002734.5 (MANE Select); coding-DNA position 334, T replaced by C.
Protein change: p.Ser112Pro; replaces serine 112 with proline.
Molecular consequence: missense variant.
Genome position (GRCh38, 1-based): chr17:68,522,912, T>C. VCF-style: chr17-68522912-T-C. GRCh37 (hg19) VCF-style: chr17-66519053-T-C.
Other names: c.334T>C, p.Ser112Pro (NM_001276289.2, NM_001276290.1, NM_001278433.2 and 4 more transcripts); short protein forms S112P.
Identifiers: ClinVar variation 1995042 (VCV001995042.4), dbSNP rs2509399652, ClinGen allele CA400752494.

ClinVar aggregate classification (germline): Uncertain significance (1 of 4 stars; one submission).

Conditions:
Carney complex, type 1 (CNC1). Also called: CARNEY MYXOMA-ENDOCRINE COMPLEX; CARNEY COMPLEX, TYPE I. Identifiers: Orphanet 1359, MedGen C2607929, MONDO:0008057, OMIM 160980.

Submission:

Labcorp Genetics (formerly Invitae), Labcorp
Classification: Uncertain significance for Carney complex, type 1. Last evaluated: 2022-05-16. Review status: criteria provided, single submitter. Criteria: Invitae Variant Classification Sherloc (09022015). Collection method: clinical testing. Allele origin: germline.
Comment: This sequence change replaces serine, which is neutral and polar, with proline, which is neutral and non-polar, at codon 112 of the PRKAR1A protein (p.Ser112Pro). In summary, the available evidence is currently insufficient to determine the role of this variant in disease. Therefore, it has been classified as a Variant of Uncertain Significance. Algorithms developed to predict the effect of missense changes on protein structure and function (SIFT, PolyPhen-2, Align-GVGD) all suggest that this variant is likely to be tolerated. This variant has not been reported in the literature in individuals affected with PRKAR1A-related conditions. This variant is not present in population databases (gnomAD no frequency).